The following is an entry in ClinVar:

ClinVar aggregate classification (germline): Benign/Likely benign. Review status: criteria provided, multiple submitters, no conflicts (2 of 4 stars). 2 submissions from 2 submitters: Benign (1); Likely benign (1). Last evaluated 2026-01-24.

Allele frequency attached by ClinVar (database versions not stated): gnomAD exomes 0.00002 and 0.00009; ExAC 0.00007; gnomAD 0.00027 and 0.00029; TOPMed 0.00029; 1000 Genomes Project 30x 0.00031; ESP Exome Variant Server 0.00038; 1000 Genomes Project 0.00040.
gnomAD v4.1: 74 of 1,614,176 alleles (0.0046%); highest among the groups gnomAD compares: African/African-American, 0.093%; no homozygotes.

Submissions (2):

Labcorp Genetics (formerly Invitae), Labcorp
Classification: Benign. Last evaluated: 2026-01-24. Review status: criteria provided, single submitter. Criteria: Invitae Variant Classification Sherloc (09022015). Collection method: clinical testing. Allele origin: germline.

GeneDx
Classification: Likely benign. Last evaluated: 2017-09-01. Review status: criteria provided, single submitter. Criteria: GeneDx Variant Classification (06012015). Collection method: clinical testing. Allele origin: germline. Affected: yes.
Comment: This variant is considered likely benign or benign based on one or more of the following criteria: it is a conservative change, it occurs at a poorly conserved position in the protein, it is predicted to be benign by multiple in silico algorithms, and/or has population frequency not consistent with disease.

NM_021830.5(TWNK):c.801T>G (p.Leu267=)

Gene: TWNK (twinkle mtDNA helicase; plus strand). Cytogenetic location: 10q24.31.
Variant type: single nucleotide variant.
Coding change: c.801T>G on transcript NM_021830.5 (MANE Select); coding-DNA position 801, T replaced by G.
Protein change: p.Leu267=; no amino-acid change (leucine 267 retained).
Molecular consequence: synonymous variant. On other transcripts: non-coding transcript variant (4), intron variant (3).
Genome position (GRCh38, 1-based): chr10:100,989,011, T>G. VCF-style: chr10-100989011-T-G. GRCh37 (hg19) VCF-style: chr10-102748768-T-G.
Other names: c.801T>G, p.Leu267= (NM_001163812.2); c.-119-633T>G (NM_001163814.2, NM_001163813.2); c.-57-695T>G (NM_001368275.1).
Identifiers: ClinVar variation 390089 (VCV000390089.6), dbSNP rs149630750, ClinGen allele CA5653120.
Genomic context (GRCh38, chr10:100,989,011, plus strand): 5'-GTTTGGATTACCACTGATTAGTCGTCGAGATGCTGAGGTGGTACTGACGAGTCGTGAGCT[T>G]GACAGCCTGGCCTTGAACCAGTCCACGGGGCTGCCTACCCTTACTCTACCCCGAGGAACG-3'
Protein context (NP_068602.2, residues 257-277): DAEVVLTSRE[Leu267=]DSLALNQSTG